The following is an entry in ClinVar:

ClinVar aggregate classification (germline): Conflicting classifications of pathogenicity. Review status: criteria provided, conflicting classifications (1 of 4 stars). 15 submissions from 11 submitters: Uncertain significance (10); Likely benign (5). Last evaluated 2025-07-15.

Conditions:
Early-onset myopathy with fatal cardiomyopathy (CMYO5). Also called: Salih Myopathy; CONGENITAL MYOPATHY 5 WITH CARDIOMYOPATHY. Identifiers: Orphanet 289377, MedGen C2673677, MONDO:0012714, OMIM 611705. Disease mechanism: loss of function.
Autosomal recessive limb-girdle muscular dystrophy type 2J (LGMDR10). Also called: Limb-girdle muscular dystrophy, type 2J; MUSCULAR DYSTROPHY, LIMB-GIRDLE, AUTOSOMAL RECESSIVE 10. Identifiers: Orphanet 140922, MedGen C1837342, MONDO:0012127, OMIM 608807.
TTN-related disorder. Also called: TTN-related disorders; TTN-related condition; TTN-related disease.
Dilated cardiomyopathy 1G (CMD1G). Identifiers: Orphanet 154, MedGen C1858763, MONDO:0011400, OMIM 604145.
Tibial muscular dystrophy (TMD). Also called: UDD MYOPATHY; Tibial muscular dystrophy, tardive; Udd Distal Myopathy – Tibial Muscular Dystrophy. Identifiers: Orphanet 609, MedGen C1838244, MONDO:0010870, OMIM 600334.
Hypertrophic cardiomyopathy 9. Also called: Familial hypertrophic cardiomyopathy 9. Identifiers: MedGen C1861065, MONDO:0013412, OMIM 613765.
Myopathy, myofibrillar, 9, with early respiratory failure (MFM9). Also called: MYOPATHY, PROXIMAL, WITH EARLY RESPIRATORY MUSCLE INVOLVEMENT; Hereditary myopathy with early respiratory failure; Myopathy, distal, with early respiratory failure, autosomal dominant; EDSTROM MYOPATHY. Identifiers: Orphanet 178464, Orphanet 34521, MedGen C1863599, MONDO:0011362, OMIM 603689.

Allele frequency attached by ClinVar (database versions not stated): ExAC 0.00006; TOPMed 0.00007; gnomAD 0.00008 and 0.00009; gnomAD exomes 0.00009; ESP Exome Variant Server 0.00017.
gnomAD v4.1: 486 of 1,613,766 alleles (0.03%); highest among the groups gnomAD compares: Non-Finnish European, 0.04%; 1 homozygote.

Submissions (15):

PreventionGenetics, part of Exact Sciences
Classification: Likely benign for TTN-related condition. Last evaluated: 2025-07-15. Review status: criteria provided, single submitter. Criteria: ACMG Guidelines, 2015. Collection method: clinical testing. Allele origin: germline.
Comment: This variant is classified as likely benign based on ACMG/AMP sequence variant interpretation guidelines (Richards et al. 2015 PMID: 25741868, with internal and published modifications).

Molecular Diagnostic Laboratory for Inherited Cardiovascular Disease, Montreal Heart Institute
Classification: Likely benign. Last evaluated: 2025-04-09. Review status: criteria provided, single submitter. Criteria: ACMG Guidelines, 2015. Collection method: clinical testing. Allele origin: germline. Affected: no.

ARUP Laboratories, Molecular Genetics and Genomics, ARUP Laboratories
Classification: Uncertain significance. Last evaluated: 2025-01-16. Review status: criteria provided, single submitter. Criteria: ARUP Molecular Germline Variant Investigation Process 2024. Collection method: clinical testing. Allele origin: germline.
Comment: The TTN c.29317G>A; p.Ala9773Thr variant (rs371163094; ClinVar Variation ID: 332901) is rare in the general population (<0.2% allele frequency in the Genome Aggregation Database) and has not been reported in the medical literature in association with dilated cardiomyopathy (DCM) or other TTN-related disease. The clinical relevance of rare missense variants in this gene, which are identified on average once per individual sequenced in affected populations (Herman 2012), is not well understood. Yet, evidence suggests that the vast majority of such missense variants do not contribute to the clinical outcome of DCM (Begay 2015). Thus, the clinical significance of the p.Ala9773Thr variant cannot be determined with certainty References: Begay RL et al. Role of Titin Missense Variants in Dilated Cardiomyopathy. J Am Heart Assoc. 2015 Nov 13;4(11). PMID: 26567375. Herman DS et al. Truncations of titin causing dilated cardiomyopathy. N Engl J Med. 2012 Feb 16;366(7):619-28. PMID: 22335739. Linke WA and Hamdani N. Gigantic business: titin properties and function through thick and thin. Circ Res 2014; 114(6): 1052-1068. PMID: 24625729.

Fulgent Genetics
Classification: Uncertain significance for Tibial muscular dystrophy; Myopathy, myofibrillar, 9, with early respiratory failure; Dilated cardiomyopathy 1G; Autosomal recessive limb-girdle muscular dystrophy type 2J; Early-onset myopathy with fatal cardiomyopathy; Hypertrophic cardiomyopathy 9. Last evaluated: 2024-05-01. Review status: criteria provided, single submitter. Criteria: ACMG Guidelines, 2015. Collection method: clinical testing. Allele origin: germline.

Revvity Omics, Revvity
Classification: Uncertain significance. Last evaluated: 2024-04-16. Review status: criteria provided, single submitter. Criteria: ACMG Guidelines, 2015. Collection method: clinical testing. Allele origin: germline.

Women's Health and Genetics/Laboratory Corporation of America, LabCorp
Classification: Uncertain significance. Last evaluated: 2023-06-19. Review status: criteria provided, single submitter. Criteria: LabCorp Variant Classification Summary - May 2015. Collection method: clinical testing. Allele origin: germline.
Comment: Variant summary: TTN c.25585G>A (p.Ala8529Thr) results in a non-conservative amino acid change located in the I-band region of the encoded protein sequence. Five of five in-silico tools predict a damaging effect of the variant on protein function. The variant allele was found at a frequency of 8.8e-05 in 249194 control chromosomes, predominantly at a frequency of 0.00019 within the Non-Finnish European subpopulation in the gnomAD database. This frequency is not significantly higher than estimated for a pathogenic variant in TTN causing Cardiomyopathy (8.8e-05 vs 0.00039), allowing no conclusion about variant significance. c.25585G>A has been reported in the literature in at least one individual affected with Hypertrophic Cardiomyopathy (e.g., Thomson_2019), however without strong evidence for causality (e.g., lack of co-segregation and co-occurrence data). This report therefore does not provide unequivocal conclusions about association of the variant with Cardiomyopathy. To our knowledge, no experimental evidence demonstrating an impact on protein function has been reported. The following publication was ascertained in the context of this evaluation (PMID: 30531895). Six submitters have reported clinical-significance assessments for this variant to ClinVar after 2014 with conflicting assessments: 4 submitters classified the variant as uncertain significance, and two submitters classified the variant as likely benign. Based on the evidence outlined above, the variant was classified as uncertain significance.

Mayo Clinic Laboratories, Mayo Clinic
Classification: Uncertain significance. Last evaluated: 2023-06-16. Review status: criteria provided, single submitter. Criteria: ACMG Guidelines, 2015. Collection method: clinical testing. Allele origin: germline. Observed: 1 variant allele.
Comment: PM2

GeneDx
Classification: Likely benign. Last evaluated: 2020-03-31. Review status: criteria provided, single submitter. Criteria: GeneDx Variant Classification Process June 2021. Collection method: clinical testing. Allele origin: germline. Affected: yes.
Comment: This variant is associated with the following publications: (PMID: 29263846)

Eurofins Ntd Llc (ga)
Classification: Uncertain significance. Last evaluated: 2018-08-16. Review status: criteria provided, single submitter. Criteria: EGL ClinVar v180209 classification definitions. Collection method: clinical testing. Allele origin: germline. Observed: 2 variant alleles, 2 heterozygotes.

Illumina Laboratory Services, Illumina
Classification: Uncertain significance for Dilated cardiomyopathy 1G. Last evaluated: 2018-01-13. Review status: criteria provided, single submitter. Criteria: ICSL Variant Classification Criteria 13 December 2019. Collection method: clinical testing. Allele origin: germline.

Illumina Laboratory Services, Illumina
Classification: Likely benign for Tibial muscular dystrophy. Last evaluated: 2018-01-13. Review status: criteria provided, single submitter. Criteria: ICSL Variant Classification Criteria 13 December 2019. Collection method: clinical testing. Allele origin: germline.
Comment: This variant was observed in the ICSL laboratory as part of a predisposition screen in an ostensibly healthy population. It had not been previously curated by ICSL or reported in the Human Gene Mutation Database (HGMD: prior to June 1st, 2018), and was therefore a candidate for classification through an automated scoring system. Utilizing variant allele frequency, disease prevalence and penetrance estimates, and inheritance mode, an automated score was calculated to assess if this variant is too frequent to cause the disease. Based on the score and internal cut-off values, a variant classified as likely benign is not then subjected to further curation. The score for this variant resulted in a classification of likely benign for this disease.

Illumina Laboratory Services, Illumina
Classification: Likely benign for Myopathy, myofibrillar, 9, with early respiratory failure. Last evaluated: 2018-01-13. Review status: criteria provided, single submitter. Criteria: ICSL Variant Classification Criteria 13 December 2019. Collection method: clinical testing. Allele origin: germline.
Comment: the same text as in the submission from Illumina Laboratory Services, Illumina above.

Illumina Laboratory Services, Illumina
Classification: Uncertain significance for Early-onset myopathy with fatal cardiomyopathy. Last evaluated: 2018-01-13. Review status: criteria provided, single submitter. Criteria: ICSL Variant Classification Criteria 13 December 2019. Collection method: clinical testing. Allele origin: germline.

Illumina Laboratory Services, Illumina
Classification: Uncertain significance for Autosomal recessive limb-girdle muscular dystrophy type 2J. Last evaluated: 2018-01-13. Review status: criteria provided, single submitter. Criteria: ICSL Variant Classification Criteria 13 December 2019. Collection method: clinical testing. Allele origin: germline.

Labcorp Genetics (formerly Invitae), Labcorp
Classification: Uncertain significance for Dilated cardiomyopathy 1G; Autosomal recessive limb-girdle muscular dystrophy type 2J. Last evaluated: 2016-11-30. Review status: criteria provided, single submitter. Criteria: Invitae Variant Classification Sherloc (09022015). Collection method: clinical testing. Allele origin: germline.

Literature cited by the submitters: PubMed 30531895 (cited by Women's Health and Genetics/Laboratory Corporation of America, LabCorp).

NM_001267550.2(TTN):c.29317G>A (p.Ala9773Thr)

Gene: TTN (titin; minus strand). Cytogenetic location: 2q31.2.
Variant type: single nucleotide variant.
Coding change: c.29317G>A on transcript NM_001267550.2 (MANE Select); coding-DNA position 29317, G replaced by A.
Protein change: p.Ala9773Thr; replaces alanine 9773 with threonine.
Molecular consequence: missense variant. On other transcripts: intron variant (3).
Genome position (GRCh38, 1-based): chr2:178,706,557, C>T on the plus strand (G>A on the coding strand, the complement: TTN is on the minus strand). VCF-style: chr2-178706557-C-T. GRCh37 (hg19) VCF-style: chr2-179571284-C-T.
Other names: p.Ala8529Thr; c.28366G>A, p.Ala9456Thr (NM_001256850.1); c.25585G>A, p.Ala8529Thr (NM_133378.4); c.13282+31525G>A (NM_003319.4); c.13858+31525G>A (NM_133437.4); c.13657+31525G>A (NM_133432.3); short protein forms A9773T, A8529T, A9456T.
Identifiers: ClinVar variation 332901 (VCV000332901.22), dbSNP rs371163094, ClinGen allele CA1999409.